The following is an entry in ClinVar:

ClinVar aggregate classification (germline): Likely benign. Review status: criteria provided, single submitter (1 of 4 stars). 2 submissions from 2 submitters: Likely benign (1). 1 of the submissions does not count toward it. Last evaluated 2022-03-10.

Conditions:
NEFH-related disorder. Also called: NEFH-related condition.

Allele frequency attached by ClinVar (database versions not stated): gnomAD exomes 0.00001.
gnomAD v4.1: 15 of 1,532,034 alleles (0.00098%); highest among the groups gnomAD compares: East Asian, 0.037%; no homozygotes.

Submissions (2):

Labcorp Genetics (formerly Invitae), Labcorp
Classification: Likely benign. Last evaluated: 2022-03-10. Review status: criteria provided, single submitter. Criteria: Invitae Variant Classification Sherloc (09022015). Collection method: clinical testing. Allele origin: germline.

PreventionGenetics, part of Exact Sciences
Classification: Likely benign for NEFH-related condition. Last evaluated: 2021-07-28. Review status: no assertion criteria provided. Collection method: clinical testing. Allele origin: germline. Not counted in ClinVar's aggregate classification.
Comment: This variant is classified as likely benign based on ACMG/AMP sequence variant interpretation guidelines (Richards et al. 2015 PMID: 25741868, with internal and published modifications).

NM_021076.4(NEFH):c.789G>T (p.Leu263=)

Gene: NEFH (neurofilament heavy chain; plus strand). Cytogenetic location: 22q12.2.
Variant type: single nucleotide variant.
Coding change: c.789G>T on transcript NM_021076.4 (MANE Select); coding-DNA position 789, G replaced by T.
Protein change: p.Leu263=; no amino-acid change (leucine 263 retained).
Molecular consequence: synonymous variant.
Genome position (GRCh38, 1-based): chr22:29,481,051, G>T. VCF-style: chr22-29481051-G-T. GRCh37 (hg19) VCF-style: chr22-29877040-G-T.
Other names: c.789G>T (NM_021076.3).
Identifiers: ClinVar variation 1927279 (VCV001927279.7), dbSNP rs1255419550, ClinGen allele CA513987025.